The following is an entry in ClinVar:

NM_002439.5(MSH3):c.2582A>C (p.Asn861Thr)

Gene: MSH3 (mutS homolog 3; plus strand). Cytogenetic location: 5q14.1.
Variant type: single nucleotide variant.
Coding change: c.2582A>C on transcript NM_002439.5 (MANE Select); coding-DNA position 2582, A replaced by C.
Protein change: p.Asn861Thr; replaces asparagine 861 with threonine.
Molecular consequence: missense variant.
Genome position (GRCh38, 1-based): chr5:80,792,771, A>C. VCF-style: chr5-80792771-A-C. GRCh37 (hg19) VCF-style: chr5-80088590-A-C.
Other names: short protein forms N861T.
Identifiers: ClinVar variation 4654838 (VCV004654838.1).

ClinVar aggregate classification (germline): Uncertain significance (1 of 4 stars; one submission).

Conditions:
Hereditary cancer-predisposing syndrome. Also called: Neoplastic Syndromes, Hereditary; Tumor predisposition; Hereditary Cancer Syndrome; Hereditary neoplastic syndrome. Identifiers: Orphanet 140162, MedGen C0027672, MeSH D009386, MONDO:0015356.

Submission:

Ambry Genetics
Classification: Uncertain significance for Hereditary cancer-predisposing syndrome. Last evaluated: 2025-11-16. Review status: criteria provided, single submitter. Criteria: Ambry Variant Classification Scheme 2023. Collection method: clinical testing. Allele origin: germline.
Comment: The p.N861T variant (also known as c.2582A>C), located in coding exon 19 of the MSH3 gene, results from an A to C substitution at nucleotide position 2582. The asparagine at codon 861 is replaced by threonine, an amino acid with similar properties. This amino acid position is conserved. In addition, this alteration is predicted to be tolerated by in silico analysis. Based on the available evidence, the clinical significance of this variant remains unclear.